The following is an entry in ClinVar:

NM_000540.3(RYR1):c.14589C>T (p.Phe4863=)

Gene: RYR1 (ryanodine receptor 1; plus strand). Cytogenetic location: 19q13.2.
Variant type: single nucleotide variant.
Coding change: c.14589C>T on transcript NM_000540.3 (MANE Select); coding-DNA position 14589, C replaced by T.
Protein change: p.Phe4863=; no amino-acid change (phenylalanine 4863 retained).
Molecular consequence: synonymous variant.
Genome position (GRCh38, 1-based): chr19:38,580,447, C>T. VCF-style: chr19-38580447-C-T. GRCh37 (hg19) VCF-style: chr19-39071087-C-T.
Other names: p.Phe4863=; c.14574C>T, p.Phe4858= (NM_001042723.2).
Identifiers: ClinVar variation 159836 (VCV000159836.73), dbSNP rs146072491, ClinGen allele CA024194.

ClinVar aggregate classification (germline): Benign/Likely benign. Review status: criteria provided, multiple submitters, no conflicts (2 of 4 stars). 15 submissions from 14 submitters: Benign (8); Likely benign (4). 3 of the submissions do not count toward it. Last evaluated 2026-09-01.

Conditions:
Congenital multicore myopathy with external ophthalmoplegia (CMYO1B). Also called: Congenital myopathy 1B, autosomal recessive; Minicore myopathy; MULTICORE MYOPATHY; MULTIMINICORE DISEASE WITH EXTERNAL OPHTHALMOPLEGIA; Minicore myopathy with external ophthalmoplegia. Identifiers: Orphanet 598, Orphanet 98905, MedGen C1850674, MONDO:0009712, OMIM 255320, HP:0003789.
Central core myopathy (CMYO1A). Also called: CONGENITAL MYOPATHY 1A, AUTOSOMAL DOMINANT, WITH SUSCEPTIBILITY TO MALIGNANT HYPERTHERMIA; Central core disease; Myopathy, central fibrillar. Identifiers: Orphanet 597, MedGen C5830701, MONDO:0007294, OMIM 117000.
Congenital myopathy with fiber type disproportion. Also called: Congenital fiber-type disproportion; Congenital fiber-type disproportion myopathy. Identifiers: Orphanet 2020, MedGen C0546264, MONDO:0009711. Inheritance: all.
King Denborough syndrome (KDS). Identifiers: MedGen C1840365, MONDO:0020485, OMIM 619542.
Malignant hyperthermia, susceptibility to, 1 (MHS1). Also called: Malignant hyperthermia suceptibility 1; Anesthesia related hyperthermia; Malignant hyperpyrexia; Fulminating hyperpyrexia; Pharmacogenic myopathy; RYR1-Related Malignant Hyperthermia Susceptibility. Identifiers: Orphanet 423, MedGen C2930980, MONDO:0007783, OMIM 145600.
RYR1-related disorder. Also called: RYR1-related disorders; RYR1-related condition. Identifiers: MedGen CN239331.

Allele frequency attached by ClinVar (database versions not stated): 1000 Genomes Project 30x 0.00297; TOPMed 0.00306; 1000 Genomes Project 0.00339; ESP Exome Variant Server 0.00346; ExAC 0.00533; gnomAD 0.00597 and 0.00628; gnomAD exomes 0.00609 and 0.00633.
gnomAD v4.1: 10,080 of 1,614,160 alleles (0.62%); highest among the groups gnomAD compares: Non-Finnish European, 0.62%; 63 homozygotes.

Submissions (15):

CeGaT Center for Human Genetics Tuebingen
Classification: Likely benign. Last evaluated: 2026-09-01. Review status: criteria provided, single submitter. Criteria: CeGaT Center For Human Genetics Tuebingen Variant Classification Criteria Version 2. Collection method: clinical testing. Allele origin: germline. Affected: yes. Observed: 24 variant alleles.
Comment: RYR1: BP4, BS2

Labcorp Genetics (formerly Invitae), Labcorp
Classification: Benign for RYR1-related disorder. Last evaluated: 2026-02-03. Review status: criteria provided, single submitter. Criteria: Invitae Variant Classification Sherloc (09022015). Collection method: clinical testing. Allele origin: germline.

Mayo Clinic Laboratories, Mayo Clinic
Classification: Benign. Last evaluated: 2025-08-13. Review status: criteria provided, single submitter. Criteria: ACMG Guidelines, 2015. Collection method: clinical testing. Allele origin: germline. Observed: 4 variant alleles.
Comment: BA1, BP4, BP7

All of Us Research Program, National Institutes of Health
Classification: Benign for Malignant hyperthermia, susceptibility to, 1. Last evaluated: 2024-02-05. Review status: criteria provided, single submitter. Criteria: ACMG Guidelines, 2015. Collection method: clinical testing. Allele origin: germline. Inheritance: Autosomal dominant inheritance. Observed: 955 variant alleles, 949 heterozygotes, 6 homozygotes.
Comment: This study involves interpretation of variants in research participants for the purpose of population health screening. Participant phenotype was not available at the time of variant classification. Additional details can be found in publication PMID: 35346344, PMCID: PMC8962531

Color Diagnostics, LLC DBA Color Health
Classification: Benign for Malignant hyperthermia, susceptibility to, 1. Last evaluated: 2022-04-29. Review status: criteria provided, single submitter. Criteria: ACMG Guidelines, 2015. Collection method: clinical testing. Allele origin: germline.

Fulgent Genetics
Classification: Benign for Central core myopathy; Malignant hyperthermia, susceptibility to, 1; Congenital myopathy 4A, autosomal dominant; Congenital multicore myopathy with external ophthalmoplegia; King Denborough syndrome. Last evaluated: 2021-07-23. Review status: criteria provided, single submitter. Criteria: ACMG Guidelines, 2015. Collection method: clinical testing. Allele origin: unknown.

Illumina Laboratory Services, Illumina
Classification: Likely benign for Malignant hyperthermia, susceptibility to, 1. Last evaluated: 2018-02-22. Review status: criteria provided, single submitter. Criteria: ICSL Variant Classification Criteria 13 December 2019. Collection method: clinical testing. Allele origin: germline.
Comment: This variant was observed as part of a predisposition screen in an ostensibly healthy population. A literature search was performed for the gene, cDNA change, and amino acid change (where applicable). No publications were found based on this search. Allele frequency data from public databases allowed determination this variant is unlikely to cause disease. Therefore, this variant is classified as likely benign.

Illumina Laboratory Services, Illumina
Classification: Likely benign for Congenital multicore myopathy with external ophthalmoplegia. Last evaluated: 2018-02-22. Review status: criteria provided, single submitter. Criteria: ICSL Variant Classification Criteria 13 December 2019. Collection method: clinical testing. Allele origin: germline.
Comment: the same text as in the submission from Illumina Laboratory Services, Illumina above.

PreventionGenetics, part of Exact Sciences
Classification: Benign. Last evaluated: 2018-01-16. Review status: criteria provided, single submitter. Criteria: ACMG Guidelines, 2015. Collection method: clinical testing. Allele origin: germline.

Athena Diagnostics
Classification: Benign. Last evaluated: 2016-09-27. Review status: criteria provided, single submitter. Criteria: Athena Diagnostics Criteria. Collection method: clinical testing. Allele origin: germline.

GeneDx
Classification: Benign. Last evaluated: 2016-08-17. Review status: criteria provided, single submitter. Criteria: GeneDx Variant Classification (06012015). Collection method: clinical testing. Allele origin: germline. Affected: yes.
Comment: This variant is considered likely benign or benign based on one or more of the following criteria: it is a conservative change, it occurs at a poorly conserved position in the protein, it is predicted to be benign by multiple in silico algorithms, and/or has population frequency not consistent with disease.

Eurofins Ntd Llc (ga)
Classification: Likely benign. Last evaluated: 2014-11-15. Review status: criteria provided, single submitter. Criteria: EGL Classification Definitions 2015. Collection method: clinical testing. Allele origin: germline. Observed: 1 variant allele, 1 heterozygote.

Genetic Services Laboratory, University of Chicago
Classification: Likely benign. Review status: no assertion criteria provided. Collection method: clinical testing. Allele origin: germline. Inheritance: Autosomal unknown. Not counted in ClinVar's aggregate classification.
Comment: Likely benign based on allele frequency in 1000 Genomes Project or ESP global frequency and its presence in a patient with a rare or unrelated disease phenotype. NOT Sanger confirmed

Joint Genome Diagnostic Labs from Nijmegen and Maastricht, Radboudumc and MUMC+
Classification: Benign. Review status: no assertion criteria provided. Collection method: clinical testing. Allele origin: germline. Affected: yes. Study: VKGL Data-share Consensus. Not counted in ClinVar's aggregate classification.

Laboratory of Diagnostic Genome Analysis, Leiden University Medical Center (LUMC)
Classification: Likely benign. Review status: no assertion criteria provided. Collection method: clinical testing. Allele origin: germline. Affected: yes. Study: VKGL Data-share Consensus. Not counted in ClinVar's aggregate classification.

Literature cited by the submitters: PubMed 22473935 (cited by Athena Diagnostics).